The following is an entry in ClinVar:

NM_000053.4(ATP7B):c.2835C>T (p.Ile945=)

Gene: ATP7B (ATPase copper transporting beta; minus strand). Cytogenetic location: 13q14.3.
Variant type: single nucleotide variant.
Coding change: c.2835C>T on transcript NM_000053.4 (MANE Select); coding-DNA position 2835, C replaced by T.
Protein change: p.Ile945=; no amino-acid change (isoleucine 945 retained).
Molecular consequence: synonymous variant. On other transcripts: intron variant (1).
Genome position (GRCh38, 1-based): chr13:51,949,692, G>A on the plus strand (C>T on the coding strand, the complement: ATP7B is on the minus strand). VCF-style: chr13-51949692-G-A. GRCh37 (hg19) VCF-style: chr13-52523828-G-A.
Other names: c.2502C>T, p.Ile834= (NM_001243182.2); c.2601C>T, p.Ile867= (NM_001330578.2); c.2583C>T, p.Ile861= (NM_001330579.2); c.2244+315C>T (NM_001005918.3).
Identifiers: ClinVar variation 1134739 (VCV001134739.10), dbSNP rs761169879, ClinGen allele CA6988899.
Genomic context (GRCh38, chr13:51,949,692, plus strand): 5'-CCACCATATAGCCCAAGGCATTCAACTTACAGGAAAGTATCTCTGAACAACACCAAAATC[G>A]ATAAAACCGATTACAATCCATACCACCAACGTCAAAGTTGACATGATGATGATAAATGGG-3'
Protein context (NP_000044.2, residues 935-955): TLVVWIVIGF[Ile945=]DFGVVQRYFP

ClinVar aggregate classification (germline): Likely benign. Review status: criteria provided, multiple submitters, no conflicts (2 of 4 stars). 3 submissions from 3 submitters: Likely benign (3). Last evaluated 2025-09-24.

Conditions:
Wilson disease (WND). Also called: Wilson's disease. Identifiers: Orphanet 905, MedGen C0019202, MONDO:0010200, OMIM 277900. Disease mechanism: loss of function.

Allele frequency attached by ClinVar (database versions not stated): gnomAD 0.00001; gnomAD exomes 0.00002 and 0.00003; ExAC 0.00003.
gnomAD v4.1: 29 of 1,613,852 alleles (0.0018%); highest among the groups gnomAD compares: South Asian, 0.0088%; no homozygotes.

Submissions (3):

Labcorp Genetics (formerly Invitae), Labcorp
Classification: Likely benign for Wilson disease. Last evaluated: 2025-09-24. Review status: criteria provided, single submitter. Criteria: Invitae Variant Classification Sherloc (09022015). Collection method: clinical testing. Allele origin: germline.

All of Us Research Program, National Institutes of Health
Classification: Likely benign for Wilson disease. Last evaluated: 2023-06-28. Review status: criteria provided, single submitter. Criteria: ACMG Guidelines, 2015. Collection method: clinical testing. Allele origin: germline. Inheritance: Autosomal recessive inheritance. Observed: 1 variant allele, 1 heterozygote.
Comment: This study involves interpretation of variants in research participants for the purpose of population health screening. Participant phenotype was not available at the time of variant classification. Additional details can be found in publication PMID: 35346344, PMCID: PMC8962531

Color Diagnostics, LLC DBA Color Health
Classification: Likely benign for Wilson disease. Last evaluated: 2022-08-05. Review status: criteria provided, single submitter. Criteria: ACMG Guidelines, 2015. Collection method: clinical testing. Allele origin: germline.